The following is an entry in ClinVar:

ClinVar aggregate classification (germline): Benign/Likely benign. Review status: criteria provided, multiple submitters, no conflicts (2 of 4 stars). 6 submissions from 5 submitters: Benign (4); Likely benign (2). Last evaluated 2026-01-27.

Conditions:
Brain small vessel disease 1 with or without ocular anomalies (BSVD1). Also called: BRAIN SMALL VESSEL DISEASE WITH HEMORRHAGE; PORENCEPHALY, TYPE 1, AUTOSOMAL DOMINANT; GOULD SYNDROME 1; Brain small vessel disease with or without ocular anomalies. Identifiers: Orphanet 2940, Orphanet 36383, Orphanet 99810, MedGen C4755307, MONDO:0008289, OMIM 175780.
Autosomal dominant familial hematuria-retinal arteriolar tortuosity-contractures syndrome. Also called: Hereditary Angiopathy with Nephropathy, Aneurysms, and Muscle Cramps (HANAC) Syndrome; Angiopathy, hereditary, with nephropathy, aneurysms, and muscle cramps. Identifiers: Orphanet 73229, MedGen C2673195, MONDO:0012726, OMIM 611773.

Allele frequency attached by ClinVar (database versions not stated): ESP Exome Variant Server 0.00008; gnomAD 0.00030 and 0.00046; TOPMed 0.00053; ExAC 0.00069; gnomAD exomes 0.00077; 1000 Genomes Project 30x 0.00172; 1000 Genomes Project 0.00220.
gnomAD v4.1: 575 of 1,614,080 alleles (0.036%); highest among the groups gnomAD compares: East Asian, 1%; 6 homozygotes.

Submissions (6):

Labcorp Genetics (formerly Invitae), Labcorp
Classification: Benign. Last evaluated: 2026-01-27. Review status: criteria provided, single submitter. Criteria: Invitae Variant Classification Sherloc (09022015). Collection method: clinical testing. Allele origin: germline.

CeGaT Center for Human Genetics Tuebingen
Classification: Likely benign. Last evaluated: 2025-11-01. Review status: criteria provided, single submitter. Criteria: CeGaT Center For Human Genetics Tuebingen Variant Classification Criteria Version 2. Collection method: clinical testing. Allele origin: germline. Affected: yes. Observed: 1 variant allele.
Comment: COL4A1: BP4, BP7, BS1

Blueprint Genetics
Classification: Likely benign. Last evaluated: 2024-11-20. Review status: criteria provided, single submitter. Criteria: ACMG Guidelines, 2015. Collection method: clinical testing. Allele origin: germline.

Athena Diagnostics
Classification: Benign. Last evaluated: 2018-01-23. Review status: criteria provided, single submitter. Criteria: Athena Diagnostics Criteria. Collection method: clinical testing. Allele origin: germline.

Illumina Laboratory Services, Illumina
Classification: Benign for Autosomal dominant familial hematuria-retinal arteriolar tortuosity-contractures syndrome. Last evaluated: 2018-01-12. Review status: criteria provided, single submitter. Criteria: ICSL Variant Classification Criteria 13 December 2019. Collection method: clinical testing. Allele origin: germline.
Comment: This variant was observed in the ICSL laboratory as part of a predisposition screen in an ostensibly healthy population. It had not been previously curated by ICSL or reported in the Human Gene Mutation Database (HGMD: prior to June 1st, 2018), and was therefore a candidate for classification through an automated scoring system. Utilizing variant allele frequency, disease prevalence and penetrance estimates, and inheritance mode, an automated score was calculated to assess if this variant is too frequent to cause the disease. Based on the score and internal cut-off values, a variant classified as benign is not then subjected to further curation. The score for this variant resulted in a classification of benign for this disease.

Illumina Laboratory Services, Illumina
Classification: Benign for Brain small vessel disease 1 with or without ocular anomalies. Last evaluated: 2018-01-12. Review status: criteria provided, single submitter. Criteria: ICSL Variant Classification Criteria 13 December 2019. Collection method: clinical testing. Allele origin: germline.
Comment: the same text as in the submission from Illumina Laboratory Services, Illumina above.

NM_001845.6(COL4A1):c.3288A>G (p.Pro1096=)

Gene: COL4A1 (collagen type IV alpha 1 chain; minus strand). Cytogenetic location: 13q34.
Variant type: single nucleotide variant.
Coding change: c.3288A>G on transcript NM_001845.6 (MANE Select); coding-DNA position 3288, A replaced by G.
Protein change: p.Pro1096=; no amino-acid change (proline 1096 retained).
Molecular consequence: synonymous variant.
Genome position (GRCh38, 1-based): chr13:110,174,660, T>C on the plus strand (A>G on the coding strand, the complement: COL4A1 is on the minus strand). VCF-style: chr13-110174660-T-C. GRCh37 (hg19) VCF-style: chr13-110827007-T-C.
Identifiers: ClinVar variation 311041 (VCV000311041.25), dbSNP rs2305082, ClinGen allele CA7047322.